The following is an entry in ClinVar:

NM_001375405.1(CEP120):c.1737A>C (p.Glu579Asp)

Gene: CEP120 (centrosomal protein 120; minus strand). Cytogenetic location: 5q23.2.
Variant type: single nucleotide variant.
Coding change: c.1737A>C on transcript NM_001375405.1 (MANE Select); coding-DNA position 1737, A replaced by C.
Protein change: p.Glu579Asp; replaces glutamic acid 579 with aspartic acid.
Molecular consequence: missense variant. On other transcripts: non-coding transcript variant (1).
Genome position (GRCh38, 1-based): chr5:123,384,977, T>G on the plus strand (A>C on the coding strand, the complement: CEP120 is on the minus strand). VCF-style: chr5-123384977-T-G. GRCh37 (hg19) VCF-style: chr5-122720671-T-G.
Other names: c.1602A>C, p.Glu534Asp (NM_001375406.1); c.1737A>C, p.Glu579Asp (NM_001375407.1, NM_153223.4); c.1164A>C, p.Glu388Asp (NM_001375408.1, NM_001375409.1); c.1659A>C, p.Glu553Asp (NM_001166226.2); short protein forms E388D, E534D, E553D, E579D.
Identifiers: ClinVar variation 3720754 (VCV003720754.2).

ClinVar aggregate classification (germline): Uncertain significance (1 of 4 stars; one submission).

Conditions:
Short-rib thoracic dysplasia 13 with or without polydactyly (SRTD13). Identifiers: Orphanet 474, MedGen C4225378, MONDO:0014577, OMIM 616300.

gnomAD v4.1: 1 of 1,611,674 alleles (0.000062%); highest among the groups gnomAD compares: East Asian, 0.0022%; no homozygotes.

Submission:

Labcorp Genetics (formerly Invitae), Labcorp
Classification: Uncertain significance for Short-rib thoracic dysplasia 13 with or without polydactyly. Last evaluated: 2024-12-31. Review status: criteria provided, single submitter. Criteria: Invitae Variant Classification Sherloc (09022015). Collection method: clinical testing. Allele origin: germline.
Comment: This sequence change replaces glutamic acid, which is acidic and polar, with aspartic acid, which is acidic and polar, at codon 579 of the CEP120 protein (p.Glu579Asp). This variant is not present in population databases (gnomAD no frequency). This variant has not been reported in the literature in individuals affected with CEP120-related conditions. Invitae Evidence Modeling of protein sequence and biophysical properties (such as structural, functional, and spatial information, amino acid conservation, physicochemical variation, residue mobility, and thermodynamic stability) indicates that this missense variant is not expected to disrupt CEP120 protein function with a negative predictive value of 80%. In summary, the available evidence is currently insufficient to determine the role of this variant in disease. Therefore, it has been classified as a Variant of Uncertain Significance.